The following is an entry in ClinVar:

NM_032217.5(ANKRD17):c.90C>T (p.Pro30=)

Genes: ANKRD17 (ankyrin repeat domain 17; minus strand), LOC129992670 (ATAC-STARR-seq lymphoblastoid silent region 15476; plus strand). Cytogenetic location: 4q13.3.
Variant type: single nucleotide variant.
Coding change: c.90C>T on transcript NM_032217.5 (MANE Select); coding-DNA position 90, C replaced by T.
Protein change: p.Pro30=; no amino-acid change (proline 30 retained).
Molecular consequence: synonymous variant.
Genome position (GRCh38, 1-based): chr4:73,258,579, G>A on the plus strand (C>T on the coding strand, the complement: ANKRD17 is on the minus strand). VCF-style: chr4-73258579-G-A. GRCh37 (hg19) VCF-style: chr4-74124296-G-A.
Other names: c.90C>T, p.Pro30= (NM_015574.2, NM_198889.3).
Identifiers: ClinVar variation 4281177 (VCV004281177.7).

ClinVar aggregate classification (germline): Likely benign (1 of 4 stars; one submission).

gnomAD v4.1: 13 of 1,460,964 alleles (0.00089%); highest among the groups gnomAD compares: South Asian, 0.0082%; no homozygotes.

Submission:

CeGaT Center for Human Genetics Tuebingen
Classification: Likely benign. Last evaluated: 2025-09-01. Review status: criteria provided, single submitter. Criteria: CeGaT Center For Human Genetics Tuebingen Variant Classification Criteria Version 2. Collection method: clinical testing. Allele origin: germline. Affected: yes. Observed: 1 variant allele.
Comment: ANKRD17: BP4, BP7